The following is an entry in ClinVar:

ClinVar aggregate classification (germline): Likely benign (1 of 4 stars; one submission).

Allele frequency attached by ClinVar (database versions not stated): 1000 Genomes Project 30x 0.00156; 1000 Genomes Project 0.00160; gnomAD exomes 0.00414; ExAC 0.00596.
gnomAD v4.1: 6,177 of 1,541,804 alleles (0.4%); highest among the groups gnomAD compares: Non-Finnish European, 0.46%; 24 homozygotes.

Submission:

CeGaT Center for Human Genetics Tuebingen
Classification: Likely benign. Last evaluated: 2025-02-01. Review status: criteria provided, single submitter. Criteria: CeGaT Center For Human Genetics Tuebingen Variant Classification Criteria Version 2. Collection method: clinical testing. Allele origin: germline. Affected: yes. Observed: 2 variant alleles.
Comment: GOLGA8M: BS2

NM_001282468.3(GOLGA8M):c.643C>A (p.Arg215=)

Gene: GOLGA8M (golgin A8 family member M; minus strand). Cytogenetic location: 15q13.1.
Variant type: single nucleotide variant.
Coding change: c.643C>A on transcript NM_001282468.3 (MANE Select); coding-DNA position 643, C replaced by A.
Protein change: p.Arg215=; no amino-acid change (arginine 215 retained).
Molecular consequence: synonymous variant.
Genome position (GRCh38, 1-based): chr15:28,706,648, G>T on the plus strand (C>A on the coding strand, the complement: GOLGA8M is on the minus strand). VCF-style: chr15-28706648-G-T. GRCh37 (hg19) VCF-style: chr15-28951794-G-T.
Identifiers: ClinVar variation 3025293 (VCV003025293.22), dbSNP rs199923814, ClinGen allele CA7444627.